The following is an entry in ClinVar:

NM_020831.6(MRTFA):c.502G>A (p.Asp168Asn)

Gene: MRTFA (myocardin related transcription factor A; minus strand). Cytogenetic location: 22q13.1.
Variant type: single nucleotide variant.
Coding change: c.502G>A on transcript NM_020831.6 (MANE Select); coding-DNA position 502, G replaced by A.
Protein change: p.Asp168Asn; replaces aspartic acid 168 with asparagine.
Molecular consequence: missense variant.
Genome position (GRCh38, 1-based): chr22:40,429,705, C>T on the plus strand (G>A on the coding strand, the complement: MRTFA is on the minus strand). VCF-style: chr22-40429705-C-T. GRCh37 (hg19) VCF-style: chr22-40825709-C-T.
Other names: c.202G>A, p.Asp68Asn (NM_001282660.2); c.502G>A, p.Asp168Asn (NM_001282661.3, NM_001282662.3); c.307G>A, p.Asp103Asn (NM_001318139.2); short protein forms D168N, D68N, D103N.
Identifiers: ClinVar variation 1968631 (VCV001968631.5), dbSNP rs1431042548, ClinGen allele CA411668467.

ClinVar aggregate classification (germline): Uncertain significance (1 of 4 stars; one submission).

Allele frequency attached by ClinVar (database versions not stated): gnomAD 0.00001; gnomAD exomes 0.00001; TOPMed 0.00001.
gnomAD v4.1: 12 of 1,613,968 alleles (0.00074%); highest among the groups gnomAD compares: African/African-American, 0.0013%; no homozygotes.

Submission:

Labcorp Genetics (formerly Invitae), Labcorp
Classification: Uncertain significance. Last evaluated: 2022-10-04. Review status: criteria provided, single submitter. Criteria: Invitae Variant Classification Sherloc (09022015). Collection method: clinical testing. Allele origin: germline.
Comment: In summary, the available evidence is currently insufficient to determine the role of this variant in disease. Therefore, it has been classified as a Variant of Uncertain Significance. Algorithms developed to predict the effect of missense changes on protein structure and function are either unavailable or do not agree on the potential impact of this missense change (SIFT: "Deleterious"; PolyPhen-2: "Probably Damaging"; Align-GVGD: "Class C15"). This variant has not been reported in the literature in individuals affected with MKL1-related conditions. This variant is not present in population databases (gnomAD no frequency). This sequence change replaces aspartic acid, which is acidic and polar, with asparagine, which is neutral and polar, at codon 68 of the MKL1 protein (p.Asp68Asn).